The following is an entry in ClinVar:

NM_001379291.1(BRD4):c.1642A>G (p.Lys548Glu)

Gene: BRD4 (bromodomain containing 4; minus strand). Cytogenetic location: 19p13.12.
Variant type: single nucleotide variant.
Coding change: c.1642A>G on transcript NM_001379291.1 (MANE Select); coding-DNA position 1642, A replaced by G.
Protein change: p.Lys548Glu; replaces lysine 548 with glutamic acid.
Molecular consequence: missense variant.
Genome position (GRCh38, 1-based): chr19:15,256,173, T>C on the plus strand (A>G on the coding strand, the complement: BRD4 is on the minus strand). VCF-style: chr19-15256173-T-C. GRCh37 (hg19) VCF-style: chr19-15366984-T-C.
Other names: c.1642A>G, p.Lys548Glu (NM_001330384.2, NM_001379292.1, NM_014299.3 and 1 more transcripts); short protein forms K548E.
Identifiers: ClinVar variation 1718179 (VCV001718179.5), dbSNP rs2512559868, ClinGen allele CA404520982.
Genomic context (GRCh38, chr19:15,256,173, plus strand): 5'-GTTCCTTGGCTTTGCTTTTTTTATTCTCTTCCACTTCCTCTTTCCTTTTGTGCTTTTCTT[T>C]TTTCTTTTCCTTCTTGTCTTTCTCCTTTTTCTTTGGTTTGTTCTGCTGGGGCTGAGAGAG-3'
Protein context (NP_001366220.1, residues 538-558): KKEKDKKEKK[Lys548Glu]EKHKRKEEVE

ClinVar aggregate classification (germline): Uncertain significance (1 of 4 stars; one submission).

Submission:

Labcorp Genetics (formerly Invitae), Labcorp
Classification: Uncertain significance. Last evaluated: 2022-08-27. Review status: criteria provided, single submitter. Criteria: Invitae Variant Classification Sherloc (09022015). Collection method: clinical testing. Allele origin: germline.
Comment: In summary, the available evidence is currently insufficient to determine the role of this variant in disease. Therefore, it has been classified as a Variant of Uncertain Significance. This sequence change replaces lysine, which is basic and polar, with glutamic acid, which is acidic and polar, at codon 548 of the BRD4 protein (p.Lys548Glu). This variant is not present in population databases (gnomAD no frequency). This variant has not been reported in the literature in individuals affected with BRD4-related conditions. Algorithms developed to predict the effect of missense changes on protein structure and function are either unavailable or do not agree on the potential impact of this missense change (SIFT: "Deleterious"; PolyPhen-2: "Benign"; Align-GVGD: "Class C0").